The following is an entry in ClinVar:

NM_000435.3(NOTCH3):c.994C>T (p.Arg332Cys)

Gene: NOTCH3 (notch receptor 3; minus strand). Cytogenetic location: 19p13.12.
Variant type: single nucleotide variant.
Coding change: c.994C>T on transcript NM_000435.3 (MANE Select); coding-DNA position 994, C replaced by T.
Protein change: p.Arg332Cys; replaces arginine 332 with cysteine.
Molecular consequence: missense variant.
Genome position (GRCh38, 1-based): chr19:15,191,466, G>A on the plus strand (C>T on the coding strand, the complement: NOTCH3 is on the minus strand). VCF-style: chr19-15191466-G-A. GRCh37 (hg19) VCF-style: chr19-15302277-G-A.
Other names: short protein forms R332C.
Identifiers: ClinVar variation 9224 (VCV000009224.37), dbSNP rs137852641, ClinGen allele CA340889.

ClinVar aggregate classification (germline): Pathogenic/Likely pathogenic. Review status: criteria provided, multiple submitters, no conflicts (2 of 4 stars). 12 submissions from 12 submitters: Pathogenic (10); Likely pathogenic (1). 1 of the submissions does not count toward it. Last evaluated 2026-11-27.

Conditions:
NOTCH3-related disorder. Also called: NOTCH3-related disorders; NOTCH3-related condition.
Cerebral arteriopathy, autosomal dominant, with subcortical infarcts and leukoencephalopathy, type 1 (CADASIL1). Also called: DEMENTIA, HEREDITARY MULTIINFARCT TYPE; CASIL; Cerebral arteriopathy with subcortical infarcts and leukoencephalopathy 1; CADASIL 1. Identifiers: Orphanet 136, MedGen C4551768, MONDO:0000914, OMIM 125310.

Allele frequency attached by ClinVar (database versions not stated): gnomAD exomes below 0.00001.
gnomAD v4.1: 2 of 1,613,422 alleles (0.00012%); highest among the groups gnomAD compares: Non-Finnish European, 0.00017%; no homozygotes.

Submissions 1 to 9 of 12:

Institute of Medical Genetics and Applied Genomics, University Hospital Tübingen
Classification: Pathogenic for Cerebral arteriopathy, autosomal dominant, with subcortical infarcts and leukoencephalopathy, type 1. Last evaluated: 2026-11-27. Review status: criteria provided, single submitter. Criteria: ACMG Guidelines, 2015. Collection method: clinical testing. Allele origin: germline. Inheritance: Autosomal dominant inheritance. Affected: yes.

GeneDx
Classification: Pathogenic. Last evaluated: 2026-09-04. Review status: criteria provided, single submitter. Criteria: GeneDx Variant Classification Process June 2021. Collection method: clinical testing. Allele origin: germline.
Comment: Not observed at significant frequency in large population cohorts (gnomAD); In silico analysis supports that this missense variant has a deleterious effect on protein structure/function; This variant is associated with the following publications: (PMID: 25929831, 32555735, 16580020, 15694192, 24139282, 12480761, 22082899, 11559313, 11755616, 27881154, 19006080, 26002683, 24840674, 28334938, 27890607, 32055601, 32277177, 33505295, 34741685, 35781912, 36401683, 36261288, 36380532, 37064940, 35754959, 35822697, 33305890, 24844136)

PreventionGenetics, part of Exact Sciences
Classification: Pathogenic for NOTCH3-related condition. Last evaluated: 2026-07-26. Review status: criteria provided, single submitter. Criteria: ACMG Guidelines, 2015. Collection method: clinical testing. Allele origin: germline.
Comment: The NOTCH3 c.994C>T variant is predicted to result in the amino acid substitution p.Arg332Cys. This variant has been repeatedly documented in the literature to be causative for CADASIL (see for example Matsushima et al. 2017. PubMed ID: 27890607; Lee et al. 2006. PubMed ID: 16580020). At PreventionGenetics, we have previously identified this alteration in other patients with CADASIL. Most CADASIL causing variants in the NOTCH3 gene result in the gain or loss of one or more cysteine residues in the extracellular domain of the protein, as seen in this patient. This patient’s variant alters a cysteine residue and is located in the extracellular EGF-like domain eight. Pathogenic variants in EGF-like domains 1-6 appear to be fully penetrant and are usually associated with the classical CADASIL phenotype. However, there is variability in disease severity. Pathogenic variants in EGF-like domains 7-34 have a much higher population frequency, and can predispose to a milder small-vessel disease, possibly even displaying incomplete or at least very late onset complete penetrance (OMIM #125310; Rutten et al. 2016. PubMed ID: 27844030; Rutten et al. 2019. PubMed ID: 30032161). This variant has not been reported in a large population database, indicating this variant is rare. This variant is interpreted as pathogenic.

Mayo Clinic Laboratories, Mayo Clinic
Classification: Pathogenic. Last evaluated: 2025-08-28. Review status: criteria provided, single submitter. Criteria: ACMG Guidelines, 2015. Collection method: clinical testing. Allele origin: germline. Observed: 6 variant alleles.
Comment: PP1_strong, PP2, PP3, PP4, PM1, PM2_supporting, PS4

Labcorp Genetics (formerly Invitae), Labcorp
Classification: Pathogenic. Last evaluated: 2025-07-27. Review status: criteria provided, single submitter. Criteria: Invitae Variant Classification Sherloc (09022015). Collection method: clinical testing. Allele origin: germline.
Comment: This sequence change replaces arginine, which is basic and polar, with cysteine, which is neutral and slightly polar, at codon 332 of the NOTCH3 protein (p.Arg332Cys). This variant is not present in population databases (gnomAD no frequency). This missense change has been observed in individuals with cerebral arteriopathy with subcortical infarcts and leukoencephalopathy 1 (PMID: 11559313, 16580020, 28334938, 32055601). ClinVar contains an entry for this variant (Variation ID: 9224). Invitae Evidence Modeling of protein sequence and biophysical properties (such as structural, functional, and spatial information, amino acid conservation, physicochemical variation, residue mobility, and thermodynamic stability) indicates that this missense variant is expected to disrupt NOTCH3 protein function with a positive predictive value of 95%. For these reasons, this variant has been classified as Pathogenic.

Dasa
Classification: Likely pathogenic. Last evaluated: 2024-07-03. Review status: criteria provided, single submitter. Criteria: DASA Assertion Criteria. Collection method: clinical testing. Allele origin: germline.
Comment: NM_000435.3(NOTCH3):c.994C>T (p.Arg332Cys) is a missense variant that results in the substitution of arginine with cysteine. This variant has been recurrently observed in individuals with NOTCH3-related disorders (PMID: 35822697; PMID: 15694192). Segregation data support an association with disease in the reported family/families (PMID: 15694192). Also, this variant is rare in population databases. Computational evidence supports a deleterious effect. Based on the currently available evidence, this variant is classified as likely pathogenic.

Athena Diagnostics
Classification: Pathogenic. Last evaluated: 2023-12-29. Review status: criteria provided, single submitter. Criteria: Athena Diagnostics Criteria. Collection method: clinical testing. Allele origin: unknown.
Comment: This variant has been identified in at least one individual with CADASIL. This variant occurs as the most likely explanation for disease in a significant number of internal cases, suggesting this variant is associated with disease. This variant has not been reported in large, multi-ethnic general populations. This variant alters a critical location within the protein, and is expected to severely affect function and cause disease. Greater than 90% of NOTCH3 pathogenic variants associated with CADASIL involve the gain or loss of a cysteine residue within the epidermal growth factor (EGF)-like repeat domain (PMID: 32457593, 20301673).

Blueprint Genetics
Classification: Pathogenic for NOTCH3-related disorders. Last evaluated: 2022-06-17. Review status: criteria provided, single submitter. Criteria: ACMG Guidelines, 2015. Collection method: clinical testing. Allele origin: germline. Affected: yes. Observed: 2 variant alleles.

Women's Health and Genetics/Laboratory Corporation of America, LabCorp
Classification: Pathogenic for NOTCH3-Related Disorders. Last evaluated: 2022-06-03. Review status: criteria provided, single submitter. Criteria: LabCorp Variant Classification Summary - May 2015. Collection method: clinical testing. Allele origin: germline.
Comment: Variant summary: NOTCH3 c.994C>T (p.Arg332Cys) results in a non-conservative amino acid change located in the EGF-like domain (IPR000742) of the encoded protein sequence. Five of five in-silico tools predict a damaging effect of the variant on protein function. The variant was absent in 250186 control chromosomes. c.994C>T has been reported in the literature in multiple individuals affected with NOTCH3-Related Disorders, specifically Cerebral autosomal dominant arteriopathy with subcortical infarcts and leukoencephalopathy (CADASIL). These data indicate that the variant is very likely to be associated with disease. Four clinical diagnostic laboratories have submitted clinical-significance assessments for this variant to ClinVar after 2014 without evidence for independent evaluation. All laboratories classified the variant as pathogenic/likely pathogenic. Based on the evidence outlined above, the variant was classified as pathogenic.